The following is an entry in ClinVar:

NM_001128228.3(TPRN):c.1657G>A (p.Glu553Lys)

Gene: TPRN (taperin; minus strand). Cytogenetic location: 9q34.3.
Variant type: single nucleotide variant.
Coding change: c.1657G>A on transcript NM_001128228.3 (MANE Select); coding-DNA position 1657, G replaced by A.
Protein change: p.Glu553Lys; replaces glutamic acid 553 with lysine.
Molecular consequence: missense variant.
Genome position (GRCh38, 1-based): chr9:137,199,055, C>T on the plus strand (G>A on the coding strand, the complement: TPRN is on the minus strand). VCF-style: chr9-137199055-C-T. GRCh37 (hg19) VCF-style: chr9-140093507-C-T.
Other names: short protein forms E553K.
Identifiers: ClinVar variation 3767673 (VCV003767673.1).

ClinVar aggregate classification (germline): Uncertain significance (1 of 4 stars; one submission).

Submission:

GeneDx
Classification: Uncertain significance. Last evaluated: 2024-09-04. Review status: criteria provided, single submitter. Criteria: GeneDx Variant Classification Process June 2021. Collection method: clinical testing. Allele origin: germline. Affected: yes.
Comment: Not observed at significant frequency in large population cohorts (gnomAD); In silico analysis indicates that this missense variant does not alter protein structure/function; Has not been previously published as pathogenic or benign to our knowledge